The following is an entry in ClinVar:

NC_000006.11:g.(?_64487889)_(64488083_?)del

Gene: EYS (eyes shut homolog; minus strand). Cytogenetic location: 6q12.
Variant type: Deletion.
Identifiers: ClinVar variation 2423832 (VCV002423832.3).

ClinVar aggregate classification (germline): Pathogenic (1 of 4 stars; one submission).

Submission:

Labcorp Genetics (formerly Invitae), Labcorp
Classification: Pathogenic. Last evaluated: 2022-05-16. Review status: criteria provided, single submitter. Criteria: Invitae Variant Classification Sherloc (09022015). Collection method: clinical testing. Allele origin: germline.
Comment: This variant is a gross deletion of the genomic region encompassing exon(s) 40 of the EYS gene. This deletion is out-of-frame, and is expected to create a premature termination codon and result in an absent or disrupted protein product. Loss-of-function variants in EYS are known to be pathogenic (PMID: 18836446, 20333770). This variant has not been reported in the literature in individuals affected with EYS-related conditions. For these reasons, this variant has been classified as Pathogenic.

Literature cited by the submitters: PubMed 18836446; PubMed 20333770.